The following is an entry in ClinVar:

NM_002691.4(POLD1):c.92C>A (p.Pro31Gln)

Gene: POLD1 (DNA polymerase delta 1, catalytic subunit; plus strand). Cytogenetic location: 19q13.33.
Variant type: single nucleotide variant.
Coding change: c.92C>A on transcript NM_002691.4 (MANE Select); coding-DNA position 92, C replaced by A.
Protein change: p.Pro31Gln; replaces proline 31 with glutamine.
Molecular consequence: missense variant. On other transcripts: non-coding transcript variant (1).
Genome position (GRCh38, 1-based): chr19:50,398,943, C>A. VCF-style: chr19-50398943-C-A. GRCh37 (hg19) VCF-style: chr19-50902200-C-A.
Other names: c.92C>A, p.Pro31Gln (NM_001256849.1, NM_001308632.1); short protein forms P31Q.
Identifiers: ClinVar variation 1523518 (VCV001523518.8), dbSNP rs2038475705, ClinGen allele CA406970119.

ClinVar aggregate classification (germline): Uncertain significance (1 of 4 stars; one submission).

Conditions:
POLD1-related polyposis and colorectal cancer syndrome (CRCS10). Also called: Colorectal cancer 10; COLORECTAL CANCER, SUSCEPTIBILITY TO, ON CHROMOSOME 19q; Colorectal cancer, susceptibility to, 10. Identifiers: Orphanet 220460, MedGen C2675481, MONDO:0012953, OMIM 612591.

Submission:

Labcorp Genetics (formerly Invitae), Labcorp
Classification: Uncertain significance for POLD1-related polyposis and colorectal cancer syndrome. Last evaluated: 2023-07-08. Review status: criteria provided, single submitter. Criteria: Invitae Variant Classification Sherloc (09022015). Collection method: clinical testing. Allele origin: germline.
Comment: This sequence change replaces proline, which is neutral and non-polar, with glutamine, which is neutral and polar, at codon 31 of the POLD1 protein (p.Pro31Gln). This variant is not present in population databases (gnomAD no frequency). This variant has not been reported in the literature in individuals affected with POLD1-related conditions. ClinVar contains an entry for this variant (Variation ID: 1523518). An algorithm developed to predict the effect of missense changes on protein structure and function (PolyPhen-2) suggests that this variant is likely to be disruptive. In summary, the available evidence is currently insufficient to determine the role of this variant in disease. Therefore, it has been classified as a Variant of Uncertain Significance.